The following is an entry in ClinVar:

NM_001382391.1(CSPP1):c.2692A>C (p.Asn898His)

Gene: CSPP1 (centrosome and spindle pole associated protein 1; plus strand). Cytogenetic location: 8q13.2.
Variant type: single nucleotide variant.
Coding change: c.2692A>C on transcript NM_001382391.1 (MANE Select); coding-DNA position 2692, A replaced by C.
Protein change: p.Asn898His; replaces asparagine 898 with histidine.
Molecular consequence: missense variant.
Genome position (GRCh38, 1-based): chr8:67,163,780, A>C. VCF-style: chr8-67163780-A-C. GRCh37 (hg19) VCF-style: chr8-68076015-A-C.
Other names: c.1642A>C, p.Asn548His (NM_001291339.2); c.2611A>C, p.Asn871His (NM_001363131.2); c.2497A>C, p.Asn833His (NM_001363132.2); c.2416A>C, p.Asn806His (NM_001363133.2); c.2758A>C, p.Asn920His (NM_001364869.1); c.2578A>C, p.Asn860His (NM_001364870.1); c.2677A>C, p.Asn893His (NM_024790.7); short protein forms N898H, N920H, N548H, N806H, N833H, N860H, N871H, N893H.
Identifiers: ClinVar variation 1015950 (VCV001015950.8), dbSNP rs1828818248, ClinGen allele CA371192861.

ClinVar aggregate classification (germline): Uncertain significance (1 of 4 stars; one submission).

Conditions:
Joubert syndrome 21 (JBTS21). Identifiers: MedGen C3810212, MONDO:0014288, OMIM 615636.

Submission:

Labcorp Genetics (formerly Invitae), Labcorp
Classification: Uncertain significance for Joubert syndrome 21. Last evaluated: 2020-10-09. Review status: criteria provided, single submitter. Criteria: Invitae Variant Classification Sherloc (09022015). Collection method: clinical testing. Allele origin: germline.
Comment: Algorithms developed to predict the effect of missense changes on protein structure and function are either unavailable or do not agree on the potential impact of this missense change (SIFT: "Tolerated"; PolyPhen-2: "Probably Damaging"; Align-GVGD: "Class C0"). This variant has not been reported in the literature in individuals with CSPP1-related conditions. This variant is not present in population databases (ExAC no frequency). This sequence change replaces asparagine with histidine at codon 893 of the CSPP1 protein (p.Asn893His). The asparagine residue is moderately conserved and there is a small physicochemical difference between asparagine and histidine. In summary, the available evidence is currently insufficient to determine the role of this variant in disease. Therefore, it has been classified as a Variant of Uncertain Significance.